The following is an entry in ClinVar:

ClinVar aggregate classification (germline): Uncertain significance. Review status: criteria provided, multiple submitters, no conflicts (2 of 4 stars). 3 submissions from 3 submitters: Uncertain significance (3). Last evaluated 2025-06-11.

Conditions:
Multiple endocrine neoplasia type 4. Also called: MULTIPLE ENDOCRINE NEOPLASIA, TYPE IV. Identifiers: Orphanet 276152, MedGen C1970712, MONDO:0012552, OMIM 610755.
Hereditary cancer-predisposing syndrome. Also called: Neoplastic Syndromes, Hereditary; Tumor predisposition; Hereditary Cancer Syndrome; Hereditary neoplastic syndrome. Identifiers: Orphanet 140162, MedGen C0027672, MeSH D009386, MONDO:0015356.

gnomAD v4.1: 3 of 1,613,126 alleles (0.00019%); highest among the groups gnomAD compares: Non-Finnish European, 0.00025%; no homozygotes.

Submissions (3):

Labcorp Genetics (formerly Invitae), Labcorp
Classification: Uncertain significance for Multiple endocrine neoplasia type 4. Last evaluated: 2025-06-11. Review status: criteria provided, single submitter. Criteria: Invitae Variant Classification Sherloc (09022015). Collection method: clinical testing. Allele origin: germline.
Comment: This sequence change replaces proline, which is neutral and non-polar, with leucine, which is neutral and non-polar, at codon 114 of the CDKN1B protein (p.Pro114Leu). This variant is not present in population databases (gnomAD no frequency). This variant has not been reported in the literature in individuals affected with CDKN1B-related conditions. ClinVar contains an entry for this variant (Variation ID: 1731246). An algorithm developed to predict the effect of missense changes on protein structure and function (PolyPhen-2) suggests that this variant is likely to be tolerated. In summary, the available evidence is currently insufficient to determine the role of this variant in disease. Therefore, it has been classified as a Variant of Uncertain Significance.

Ambry Genetics
Classification: Uncertain significance for Hereditary cancer-predisposing syndrome. Last evaluated: 2024-08-14. Review status: criteria provided, single submitter. Criteria: Ambry Variant Classification Scheme 2023. Collection method: clinical testing. Allele origin: germline.

Baylor Genetics
Classification: Uncertain significance for Multiple endocrine neoplasia type 4. Last evaluated: 2024-03-11. Review status: criteria provided, single submitter. Criteria: ACMG Guidelines, 2015. Collection method: clinical testing. Allele origin: unknown.

NM_004064.5(CDKN1B):c.341C>T (p.Pro114Leu)

Gene: CDKN1B (cyclin dependent kinase inhibitor 1B; plus strand). Cytogenetic location: 12p13.1.
Variant type: single nucleotide variant.
Coding change: c.341C>T on transcript NM_004064.5 (MANE Select); coding-DNA position 341, C replaced by T.
Protein change: p.Pro114Leu; replaces proline 114 with leucine.
Molecular consequence: missense variant.
Genome position (GRCh38, 1-based): chr12:12,718,180, C>T. VCF-style: chr12-12718180-C-T. GRCh37 (hg19) VCF-style: chr12-12871114-C-T.
Other names: short protein forms P114L.
Identifiers: ClinVar variation 1731246 (VCV001731246.10), dbSNP rs755989911, ClinGen allele CA383970303.
Genomic context (GRCh38, chr12:12,718,180, plus strand): 5'-CCCCCAAAGGTGCCTGCAAGGTGCCGGCGCAGGAGAGCCAGGATGTCAGCGGGAGCCGCC[C>T]GGCGGCGCCTTTAATTGGGGCTCCGGCTAACTCTGAGGACACGCATTTGGTGGACCCAAA-3'
Protein context (NP_004055.1, residues 104-124): QESQDVSGSR[Pro114Leu]AAPLIGAPAN